The following is an entry in ClinVar:

ClinVar aggregate classification (germline): Uncertain significance (1 of 4 stars; one submission).

Allele frequency attached by ClinVar (database versions not stated): TOPMed below 0.00001; gnomAD exomes 0.00001; ExAC 0.00002; gnomAD 0.00002.
gnomAD v4.1: 15 of 1,613,976 alleles (0.00093%); highest among the groups gnomAD compares: African/African-American, 0.0053%; no homozygotes.

Submission:

Labcorp Genetics (formerly Invitae), Labcorp
Classification: Uncertain significance. Last evaluated: 2022-06-08. Review status: criteria provided, single submitter. Criteria: Invitae Variant Classification Sherloc (09022015). Collection method: clinical testing. Allele origin: germline.
Comment: This sequence change replaces arginine, which is basic and polar, with histidine, which is basic and polar, at codon 571 of the SLC26A3 protein (p.Arg571His). This variant is present in population databases (rs778152516, gnomAD 0.004%). This variant has not been reported in the literature in individuals affected with SLC26A3-related conditions. Algorithms developed to predict the effect of missense changes on protein structure and function are either unavailable or do not agree on the potential impact of this missense change (SIFT: "Tolerated"; PolyPhen-2: "Probably Damaging"; Align-GVGD: "Class C0"). In summary, the available evidence is currently insufficient to determine the role of this variant in disease. Therefore, it has been classified as a Variant of Uncertain Significance.

NM_000111.3(SLC26A3):c.1712G>A (p.Arg571His)

Gene: SLC26A3 (solute carrier family 26 member 3; minus strand). Cytogenetic location: 7q22.3.
Variant type: single nucleotide variant.
Coding change: c.1712G>A on transcript NM_000111.3 (MANE Select); coding-DNA position 1712, G replaced by A.
Protein change: p.Arg571His; replaces arginine 571 with histidine.
Molecular consequence: missense variant.
Genome position (GRCh38, 1-based): chr7:107,774,838, C>T on the plus strand (G>A on the coding strand, the complement: SLC26A3 is on the minus strand). VCF-style: chr7-107774838-C-T. GRCh37 (hg19) VCF-style: chr7-107415283-C-T.
Other names: short protein forms R571H.
Identifiers: ClinVar variation 1481976 (VCV001481976.3), dbSNP rs778152516, ClinGen allele CA4433717.
Genomic context (GRCh38, chr7:107,774,838, plus strand): 5'-GGTGTCACTTGTAGCAAGCCTTGCTTCTGCAGTTTTCGGATTTTCCTCAAAGCTTTGTTG[C>T]GCTTGCGTAGAATTCGAAGTGGACTAAAGCCAACCTGAGAAACCCATTGCTGTGTTACAA-3'
Protein context (NP_000102.1, residues 561-581): GFSPLRILRK[Arg571His]NKALRKIRKL